The following is an entry in ClinVar:

NC_000023.10:g.(?_85282475)_(85282581_?)del

Gene: CHM (CHM Rab escort protein; minus strand). Cytogenetic location: Xq21.2.
Variant type: Deletion.
Identifiers: ClinVar variation 2423008 (VCV002423008.4).

ClinVar aggregate classification (germline): Pathogenic (1 of 4 stars; one submission).

Submission:

Labcorp Genetics (formerly Invitae), Labcorp
Classification: Pathogenic. Last evaluated: 2023-11-27. Review status: criteria provided, single submitter. Criteria: Invitae Variant Classification Sherloc (09022015). Collection method: clinical testing. Allele origin: germline.
Comment: This variant is a gross deletion of the genomic region encompassing exon(s) 2 of the CHM gene. This deletion is out-of-frame, and is expected to create a premature termination codon and result in an absent or disrupted protein product. Loss-of-function variants in CHM are known to be pathogenic (PMID: 9067750, 23811034). A similar copy number variant has been observed in individual(s) with choroideremia (PMID: 27070432). For these reasons, this variant has been classified as Pathogenic.

Literature cited by the submitters: PubMed 9067750; PubMed 23811034; PubMed 27070432.